The following is an entry in ClinVar:

NM_203447.4(DOCK8):c.126A>C (p.Ile42=)

Gene: DOCK8 (dedicator of cytokinesis 8; plus strand). Cytogenetic location: 9p24.3.
Variant type: single nucleotide variant.
Coding change: c.126A>C on transcript NM_203447.4 (MANE Select); coding-DNA position 126, A replaced by C.
Protein change: p.Ile42=; no amino-acid change (isoleucine 42 retained).
Molecular consequence: synonymous variant.
Genome position (GRCh38, 1-based): chr9:271,699, A>C. VCF-style: chr9-271699-A-C. GRCh37 (hg19) VCF-style: chr9-271699-A-C.
Identifiers: ClinVar variation 4875067 (VCV004875067.2).

ClinVar aggregate classification (germline): Likely benign (1 of 4 stars; one submission).

gnomAD v4.1: 1 of 1,551,672 alleles (0.000064%); highest among the groups gnomAD compares: Non-Finnish European, 0.000087%; no homozygotes.

Submission:

CeGaT Center for Human Genetics Tuebingen
Classification: Likely benign. Last evaluated: 2026-06-01. Review status: criteria provided, single submitter. Criteria: CeGaT Center For Human Genetics Tuebingen Variant Classification Criteria Version 2. Collection method: clinical testing. Allele origin: germline. Affected: yes. Observed: 1 variant allele.
Comment: DOCK8: BP4, BP7